The following is an entry in ClinVar:

NM_001372.4(DNAH9):c.10887C>T (p.Ser3629=)

Genes: DNAH9 (dynein axonemal heavy chain 9; plus strand), LOC101928350 (uncharacterized LOC101928350; minus strand). Cytogenetic location: 17p12.
Variant type: single nucleotide variant.
Coding change: c.10887C>T on transcript NM_001372.4 (MANE Select); coding-DNA position 10887, C replaced by T.
Protein change: p.Ser3629=; no amino-acid change (serine 3629 retained).
Molecular consequence: synonymous variant. On other transcripts: 5 prime UTR variant (1).
Genome position (GRCh38, 1-based): chr17:11,883,666, C>T. VCF-style: chr17-11883666-C-T. GRCh37 (hg19) VCF-style: chr17-11786983-C-T.
Other names: p.Ser3629=; c.-178C>T (NM_004662.2).
Identifiers: ClinVar variation 1294664 (VCV001294664.14), dbSNP rs61742982, ClinGen allele CA8397668.

ClinVar aggregate classification (germline): Benign/Likely benign. Review status: criteria provided, multiple submitters, no conflicts (2 of 4 stars). 6 submissions from 6 submitters: Benign (4); Likely benign (1). 1 of the submissions does not count toward it. Last evaluated 2026-02-03.

Conditions:
DNAH9-related disorder. Also called: DNAH9-related condition.

Allele frequency attached by ClinVar (database versions not stated): gnomAD exomes 0.00814 and 0.01331; ExAC 0.01502; gnomAD 0.02825 and 0.02933; ESP Exome Variant Server 0.03099; 1000 Genomes Project 0.03155; TOPMed 0.03210; 1000 Genomes Project 30x 0.03342.
gnomAD v4.1: 16,413 of 1,614,064 alleles (1%); highest among the groups gnomAD compares: African/African-American, 8.6%; 376 homozygotes.

Submissions (6):

Labcorp Genetics (formerly Invitae), Labcorp
Classification: Benign. Last evaluated: 2026-02-03. Review status: criteria provided, single submitter. Criteria: Invitae Variant Classification Sherloc (09022015). Collection method: clinical testing. Allele origin: germline.

Blueprint Genetics
Classification: Likely benign. Last evaluated: 2024-11-26. Review status: criteria provided, single submitter. Criteria: ACMG Guidelines, 2015. Collection method: clinical testing. Allele origin: germline.

Mayo Clinic Laboratories, Mayo Clinic
Classification: Benign. Last evaluated: 2023-11-05. Review status: criteria provided, single submitter. Criteria: ACMG Guidelines, 2015. Collection method: clinical testing. Allele origin: germline. Observed: 6 variant alleles.

GeneDx
Classification: Benign. Last evaluated: 2021-05-04. Review status: criteria provided, single submitter. Criteria: GeneDx Variant Classification Process June 2021. Collection method: clinical testing. Allele origin: germline. Affected: yes.

Breakthrough Genomics
Classification: Benign. Review status: criteria provided, single submitter. Criteria: ACMG Guidelines, 2015. Collection method: not provided. Allele origin: germline. Inheritance: Autosomal recessive inheritance. Affected: yes.

PreventionGenetics, part of Exact Sciences
Classification: Benign for DNAH9-related condition. Last evaluated: 2019-06-18. Review status: no assertion criteria provided. Collection method: clinical testing. Allele origin: germline. Not counted in ClinVar's aggregate classification.
Comment: This variant is classified as benign based on ACMG/AMP sequence variant interpretation guidelines (Richards et al. 2015 PMID: 25741868, with internal and published modifications).